The following is an entry in ClinVar:

ClinVar aggregate classification (germline): Uncertain significance (1 of 4 stars; one submission).

Conditions:
Cardiovascular phenotype. Identifiers: MedGen CN230736.

Allele frequency attached by ClinVar (database versions not stated): gnomAD exomes below 0.00001.
gnomAD v4.1: 1 of 1,613,832 alleles (0.000062%); highest among the groups gnomAD compares: South Asian, 0.0011%; no homozygotes.

Submission:

Ambry Genetics
Classification: Uncertain significance for Cardiovascular phenotype. Last evaluated: 2021-07-30. Review status: criteria provided, single submitter. Criteria: Ambry Variant Classification Scheme 2023. Collection method: clinical testing. Allele origin: germline.
Comment: The c.9542+3G>A intronic alteration consists of a G to A substitution nucleotides after coding exon 10 in the ALMS1 gene. Based on insufficient or conflicting evidence, the clinical significance of this alteration remains unclear.

NM_001378454.1(ALMS1):c.9539+3G>A

Gene: ALMS1 (ALMS1 centrosome and basal body associated protein; plus strand). Cytogenetic location: 2p13.1.
Variant type: single nucleotide variant.
Coding change: c.9539+3G>A on transcript NM_001378454.1 (MANE Select); 3 bases into the intron after coding-DNA position 9539, G replaced by A.
Molecular consequence: intron variant.
Genome position (GRCh38, 1-based): chr2:73,491,501, G>A. VCF-style: chr2-73491501-G-A. GRCh37 (hg19) VCF-style: chr2-73718628-G-A.
Other names: c.9539+3G>A (NM_015120.4); c.9542+3G>A (NM_015120.4).
Identifiers: ClinVar variation 2232989 (VCV002232989.2), dbSNP rs1287526361, ClinGen allele CA534125623.
Genomic context (GRCh38, chr2:73,491,501, plus strand): 5'-ACATTTCAGATTTCGAAGGACATTCCAATCCAGAGGGGACCCCAGTATTTGCAGATCGGT[G>A]AGTCTCATTGTGATAACAAGCAAGCTGGATGGACTTTGTAATAAAGGGTTTCAAATACTT-3'